The following is an entry in ClinVar:

ClinVar aggregate classification (germline): Conflicting classifications of pathogenicity. Review status: criteria provided, conflicting classifications (1 of 4 stars). 3 submissions from 3 submitters: Uncertain significance (1); Likely benign (2). Last evaluated 2025-04-17.

Conditions:
Cardiovascular phenotype. Identifiers: MedGen CN230736.
Long QT syndrome (LQTS). Identifiers: MedGen C0023976, MeSH D008133, MONDO:0002442. Disease mechanism: loss of function. Inheritance: Various modes of inheritance.
Cardiomyopathy (CMYO). Also called: Cardiomyopathies. Identifiers: Orphanet 167848, MedGen C0878544, MONDO:0004994, HP:0001638. Inheritance: Various modes of inheritance.

Allele frequency attached by ClinVar (database versions not stated): gnomAD exomes below 0.00001 and 0.00001; gnomAD 0.00008 and 0.00009; TOPMed 0.00018.
gnomAD v4.1: 22 of 1,613,652 alleles (0.0014%); highest among the groups gnomAD compares: Admixed American, 0.022%; no homozygotes.

Submissions (3):

Labcorp Genetics (formerly Invitae), Labcorp
Classification: Uncertain significance for Long QT syndrome. Last evaluated: 2025-04-17. Review status: criteria provided, single submitter. Criteria: Invitae Variant Classification Sherloc (09022015). Collection method: clinical testing. Allele origin: germline.
Comment: This sequence change replaces alanine, which is neutral and non-polar, with threonine, which is neutral and polar, at codon 2270 of the AKAP9 protein (p.Ala2270Thr). This variant is present in population databases (no rsID available, gnomAD 0.004%). This variant has not been reported in the literature in individuals affected with AKAP9-related conditions. ClinVar contains an entry for this variant (Variation ID: 691767). An algorithm developed to predict the effect of missense changes on protein structure and function outputs the following: PolyPhen-2: "Benign". The threonine amino acid residue is found in multiple mammalian species, which suggests that this missense change does not adversely affect protein function. In summary, the available evidence is currently insufficient to determine the role of this variant in disease. Therefore, it has been classified as a Variant of Uncertain Significance.

Ambry Genetics
Classification: Likely benign for Cardiovascular phenotype. Last evaluated: 2025-01-30. Review status: criteria provided, single submitter. Criteria: Ambry Variant Classification Scheme 2023. Collection method: clinical testing. Allele origin: germline.

Center for Advanced Laboratory Medicine, UC San Diego Health, University of California San Diego
Classification: Likely benign for Cardiomyopathy. Last evaluated: 2017-03-22. Review status: criteria provided, single submitter. Criteria: ACMG Guidelines, 2015. Collection method: clinical testing. Allele origin: germline. Affected: yes. Observed: 1 variant allele.

NM_005751.5(AKAP9):c.6808G>A (p.Ala2270Thr)

Gene: AKAP9 (A-kinase anchoring protein 9; plus strand). Cytogenetic location: 7q21.2.
Variant type: single nucleotide variant.
Coding change: c.6808G>A on transcript NM_005751.5 (MANE Select); coding-DNA position 6808, G replaced by A.
Protein change: p.Ala2270Thr; replaces alanine 2270 with threonine.
Molecular consequence: missense variant.
Genome position (GRCh38, 1-based): chr7:92,077,738, G>A. VCF-style: chr7-92077738-G-A. GRCh37 (hg19) VCF-style: chr7-91707052-G-A.
Other names: c.1453G>A, p.Ala485Thr (NM_001379277.1); c.6784G>A, p.Ala2262Thr (NM_147185.3); short protein forms A2262T, A2270T, A485T.
Identifiers: ClinVar variation 691767 (VCV000691767.11), dbSNP rs1042630361, ClinGen allele CA161884554.